The following is an entry in ClinVar:

NM_001942.4(DSG1):c.2191G>A (p.Gly731Ser)

Genes: DSG1 (desmoglein 1; plus strand), DSG1-AS1 (DSG1 antisense RNA 1; minus strand), LOC126862720 (MED14-independent group 3 enhancer GRCh37_chr18:28933613-28934812; plus strand). Cytogenetic location: 18q12.1.
Variant type: single nucleotide variant.
Coding change: c.2191G>A on transcript NM_001942.4 (MANE Select); coding-DNA position 2191, G replaced by A.
Protein change: p.Gly731Ser; replaces glycine 731 with serine.
Molecular consequence: missense variant. On other transcripts: non-coding transcript variant (1).
Genome position (GRCh38, 1-based): chr18:31,354,387, G>A. VCF-style: chr18-31354387-G-A. GRCh37 (hg19) VCF-style: chr18-28934350-G-A.
Other names: short protein forms G731S.
Identifiers: ClinVar variation 1441517 (VCV001441517.6), dbSNP rs1479158960, ClinGen allele CA402121138.
Genomic context (GRCh38, chr18:31,354,387, plus strand): 5'-GGACGCCCATCTAATGACTGTTTGCTCATATATGACATCGAAGGTGTAGGTTCCCCTGCT[G>A]GCTCTGTGGGTTGTTGTAGCTTCATTGGAGAAGACCTGGATGACAGCTTCTTGGATACCC-3'
Protein context (NP_001933.2, residues 721-741): YDIEGVGSPA[Gly731Ser]SVGCCSFIGE

ClinVar aggregate classification (germline): Uncertain significance (1 of 4 stars; one submission).

Allele frequency attached by ClinVar (database versions not stated): TOPMed below 0.00001; gnomAD 0.00001.
gnomAD v4.1: 1 of 1,614,064 alleles (0.000062%); highest among the groups gnomAD compares: Non-Finnish European, 0.000085%; no homozygotes.

Submission:

Labcorp Genetics (formerly Invitae), Labcorp
Classification: Uncertain significance. Last evaluated: 2022-06-27. Review status: criteria provided, single submitter. Criteria: Invitae Variant Classification Sherloc (09022015). Collection method: clinical testing. Allele origin: germline.
Comment: This variant has not been reported in the literature in individuals affected with DSG1-related conditions. This sequence change replaces glycine, which is neutral and non-polar, with serine, which is neutral and polar, at codon 731 of the DSG1 protein (p.Gly731Ser). This variant is not present in population databases (gnomAD no frequency). Algorithms developed to predict the effect of missense changes on protein structure and function (SIFT, PolyPhen-2, Align-GVGD) all suggest that this variant is likely to be disruptive. Algorithms developed to predict the effect of sequence changes on RNA splicing suggest that this variant may create or strengthen a splice site. In summary, the available evidence is currently insufficient to determine the role of this variant in disease. Therefore, it has been classified as a Variant of Uncertain Significance.